The following is an entry in ClinVar:

NM_000843.4(GRM6):c.2192G>A (p.Arg731Gln)

Genes: GRM6 (glutamate metabotropic receptor 6; minus strand), ZNF454 (zinc finger protein 454; plus strand). Cytogenetic location: 5q35.3.
Variant type: single nucleotide variant.
Coding change: c.2192G>A on transcript NM_000843.4 (MANE Select); coding-DNA position 2192, G replaced by A.
Protein change: p.Arg731Gln; replaces arginine 731 with glutamine.
Molecular consequence: missense variant.
Genome position (GRCh38, 1-based): chr5:178,983,154, C>T on the plus strand (G>A on the coding strand, the complement: GRM6 is on the minus strand). VCF-style: chr5-178983154-C-T. GRCh37 (hg19) VCF-style: chr5-178410155-C-T.
Other names: short protein forms R731Q.
Identifiers: ClinVar variation 846488 (VCV000846488.10), dbSNP rs142842560, ClinGen allele CA3593606.
Genomic context (GRCh38, chr5:178,983,154, plus strand): 5'-AGAGACAGATCCGACATGTCGCACTTGAGCACCCCTCTGGCCTGCTCGGGGTCCACCGTC[C>T]GCTGTTCCTCATAGTCAATCACGCTGTGTGGGGGCCGGGCCCCCAGCCATGCTATCATCC-3'
Protein context (NP_000834.2, residues 721-741): PHSVIDYEEQ[Arg731Gln]TVDPEQARGV

ClinVar aggregate classification (germline): Uncertain significance. Review status: criteria provided, multiple submitters, no conflicts (2 of 4 stars). 2 submissions from 2 submitters: Uncertain significance (2). Last evaluated 2024-11-05.

Allele frequency attached by ClinVar (database versions not stated): gnomAD exomes 0.00001 and 0.00002; ExAC 0.00003; gnomAD 0.00004 and 0.00005; TOPMed 0.00005; ESP Exome Variant Server 0.00008; 1000 Genomes Project 0.00040; 1000 Genomes Project 30x 0.00047.
gnomAD v4.1: 26 of 1,614,000 alleles (0.0016%); highest among the groups gnomAD compares: African/African-American, 0.0093%; no homozygotes.

Submissions (2):

Blueprint Genetics
Classification: Uncertain significance. Last evaluated: 2024-11-05. Review status: criteria provided, single submitter. Criteria: ACMG Guidelines, 2015. Collection method: clinical testing. Allele origin: germline.

Labcorp Genetics (formerly Invitae), Labcorp
Classification: Uncertain significance. Last evaluated: 2024-10-14. Review status: criteria provided, single submitter. Criteria: Invitae Variant Classification Sherloc (09022015). Collection method: clinical testing. Allele origin: germline.
Comment: This sequence change replaces arginine, which is basic and polar, with glutamine, which is neutral and polar, at codon 731 of the GRM6 protein (p.Arg731Gln). This variant is present in population databases (rs142842560, gnomAD 0.01%). This variant has not been reported in the literature in individuals affected with GRM6-related conditions. ClinVar contains an entry for this variant (Variation ID: 846488). Invitae Evidence Modeling of protein sequence and biophysical properties (such as structural, functional, and spatial information, amino acid conservation, physicochemical variation, residue mobility, and thermodynamic stability) has been performed for this missense variant. However, the output from this modeling did not meet the statistical confidence thresholds required to predict the impact of this variant on GRM6 protein function. In summary, the available evidence is currently insufficient to determine the role of this variant in disease. Therefore, it has been classified as a Variant of Uncertain Significance.